The following is an entry in ClinVar:

ClinVar aggregate classification (germline): Benign. Review status: criteria provided, multiple submitters, no conflicts (2 of 4 stars). 2 submissions from 2 submitters: Benign (2). Last evaluated 2018-01-13.

Conditions:
Autosomal recessive limb-girdle muscular dystrophy type 2N. Also called: MUSCULAR DYSTROPHY-DYSTROGLYCANOPATHY, LIMB-GIRDLE, POMT2-RELATED; Muscular dystrophy-dystroglycanopathy (limb-girdle), type C, 2. Identifiers: Orphanet 206559, MedGen C3150418, MONDO:0013162, OMIM 613158.

Allele frequency attached by ClinVar (database versions not stated): gnomAD 0.14086 and 0.14946; 1000 Genomes Project 0.14836; TOPMed 0.15383; 1000 Genomes Project 30x 0.15584; gnomAD exomes 0.04000.
gnomAD v4.1: 21,334 of 152,540 alleles (14%); highest among the groups gnomAD compares: African/African-American, 40%; 3,416 homozygotes.

Submissions (2):

Illumina Laboratory Services, Illumina
Classification: Benign for Autosomal recessive limb-girdle muscular dystrophy type 2N. Last evaluated: 2018-01-13. Review status: criteria provided, single submitter. Criteria: ICSL Variant Classification Criteria 13 December 2019. Collection method: clinical testing. Allele origin: germline.
Comment: This variant was observed in the ICSL laboratory as part of a predisposition screen in an ostensibly healthy population. It had not been previously curated by ICSL or reported in the Human Gene Mutation Database (HGMD: prior to June 1st, 2018), and was therefore a candidate for classification through an automated scoring system. Utilizing variant allele frequency, disease prevalence and penetrance estimates, and inheritance mode, an automated score was calculated to assess if this variant is too frequent to cause the disease. Based on the score and internal cut-off values, a variant classified as benign is not then subjected to further curation. The score for this variant resulted in a classification of benign for this disease.

Breakthrough Genomics
Classification: Benign. Review status: criteria provided, single submitter. Criteria: ACMG Guidelines, 2015. Collection method: not provided. Allele origin: germline. Inheritance: Autosomal recessive inheritance. Affected: yes.

NM_013382.7(POMT2):c.*1516A>G

Gene: POMT2 (protein O-mannosyltransferase 2; minus strand). Cytogenetic location: 14q24.3.
Variant type: single nucleotide variant.
Coding change: c.*1516A>G on transcript NM_013382.7 (MANE Select); 1516 bases downstream of the stop codon, A replaced by G.
Molecular consequence: 3 prime UTR variant.
Genome position (GRCh38, 1-based): chr14:77,275,860, T>C on the plus strand (A>G on the coding strand, the complement: POMT2 is on the minus strand). VCF-style: chr14-77275860-T-C. GRCh37 (hg19) VCF-style: chr14-77742203-T-C.
Identifiers: ClinVar variation 314525 (VCV000314525.6), dbSNP rs45518539, ClinGen allele CA10645018.